The following is an entry in ClinVar:

NM_152328.5(ADSS1):c.476+12G>A

Gene: ADSS1 (adenylosuccinate synthase 1; plus strand). Cytogenetic location: 14q32.33.
Variant type: single nucleotide variant.
Coding change: c.476+12G>A on transcript NM_152328.5 (MANE Select); 12 bases into the intron after coding-DNA position 476, G replaced by A.
Molecular consequence: intron variant.
Genome position (GRCh38, 1-based): chr14:104,739,828, G>A. VCF-style: chr14-104739828-G-A. GRCh37 (hg19) VCF-style: chr14-105206165-G-A.
Other names: c.605+12G>A (NM_199165.2); c.-140+12G>A (NM_001320424.1).
Identifiers: ClinVar variation 4698004 (VCV004698004.2).

ClinVar aggregate classification (germline): Likely benign. Review status: criteria provided, multiple submitters, no conflicts (2 of 4 stars). 2 submissions from 2 submitters: Likely benign (2). Last evaluated 2026-02-18.

gnomAD v4.1: 35 of 1,613,490 alleles (0.0022%); highest among the groups gnomAD compares: African/African-American, 0.0027%; no homozygotes.

Submissions (2):

Women's Health and Genetics/Laboratory Corporation of America, LabCorp
Classification: Likely benign. Last evaluated: 2026-02-18. Review status: criteria provided, single submitter. Criteria: LabCorp Variant Classification Summary - May 2015. Collection method: clinical testing. Allele origin: germline.
Comment: Variant summary: ADSS1 c.605+12G>A alters a non-conserved nucleotide located at a position not widely known to affect splicing. Consensus agreement among computation tools predict no significant impact on normal splicing. However, these predictions have yet to be confirmed by functional studies. The variant allele was found at a frequency of 4.8e-05 in 250554 control chromosomes. This frequency is not significantly higher than estimated for disease-causing variants in ADSS1, allowing no conclusion about variant significance. To our knowledge, no occurrence of c.605+12G>A in individuals affected with ADSS1-related conditions and no experimental evidence demonstrating its impact on protein function have been reported. No submitters have cited clinical-significance assessments for this variant to ClinVar. Based on the evidence outlined above, the variant was classified as likely benign.

Labcorp Genetics (formerly Invitae), Labcorp
Classification: Likely benign. Last evaluated: 2025-11-28. Review status: criteria provided, single submitter. Criteria: Invitae Variant Classification Sherloc (09022015). Collection method: clinical testing. Allele origin: germline.